The following is an entry in ClinVar:

NM_001382391.1(CSPP1):c.400G>C (p.Glu134Gln)

Gene: CSPP1 (centrosome and spindle pole associated protein 1; plus strand). Cytogenetic location: 8q13.1.
Variant type: single nucleotide variant.
Coding change: c.400G>C on transcript NM_001382391.1 (MANE Select); coding-DNA position 400, G replaced by C.
Protein change: p.Glu134Gln; replaces glutamic acid 134 with glutamine.
Molecular consequence: missense variant. On other transcripts: 5 prime UTR variant (1).
Genome position (GRCh38, 1-based): chr8:67,093,558, G>C. VCF-style: chr8-67093558-G-C. GRCh37 (hg19) VCF-style: chr8-68005793-G-C.
Other names: c.-456G>C (NM_001291339.2); c.319G>C, p.Glu107Gln (NM_001363131.2, NM_001363133.2); c.400G>C, p.Glu134Gln (NM_001363132.2); c.508G>C, p.Glu170Gln (NM_001364869.1); c.427G>C, p.Glu143Gln (NM_001364870.1, NM_024790.7); short protein forms E107Q, E134Q, E143Q, E170Q.
Identifiers: ClinVar variation 1305120 (VCV001305120.4), dbSNP rs1263712738, ClinGen allele CA371188695.
Genomic context (GRCh38, chr8:67,093,558, plus strand): 5'-TCCTGAAGTTGAATTTTAACATTGCCTTTTGATTTTTATTTTAAGGAAAGGTTGAAACTT[G>C]AACGTAACAAAGAATACAATCAGTTTCTCAGGGGTAAGGAAGAATCCAGTGAAAAGTTCA-3'
Protein context (NP_001369320.1, residues 124-144): RLSAKERLKL[Glu134Gln]RNKEYNQFLR

ClinVar aggregate classification (germline): Uncertain significance. Review status: criteria provided, multiple submitters, no conflicts (2 of 4 stars). 2 submissions from 2 submitters: Uncertain significance (2). Last evaluated 2023-05-17.

Conditions:
Inborn genetic diseases. Identifiers: MedGen C0950123, MeSH D030342.

Allele frequency attached by ClinVar (database versions not stated): TOPMed below 0.00001.

Submissions (2):

Ambry Genetics
Classification: Uncertain significance for Inborn genetic diseases. Last evaluated: 2023-05-17. Review status: criteria provided, single submitter. Criteria: Ambry Variant Classification Scheme 2023. Collection method: clinical testing. Allele origin: germline.

GeneDx
Classification: Uncertain significance. Last evaluated: 2019-11-18. Review status: criteria provided, single submitter. Criteria: GeneDx Variant Classification Process June 2021. Collection method: clinical testing. Allele origin: germline. Affected: yes.
Comment: Not observed in large population cohorts (Lek et al., 2016); In silico analysis, which includes protein predictors and evolutionary conservation, supports that this variant does not alter protein structure/function; Has not been previously published as pathogenic or benign to our knowledge